The following is an entry in ClinVar:

ClinVar aggregate classification (germline): Conflicting classifications of pathogenicity. Review status: criteria provided, conflicting classifications (1 of 4 stars). 9 submissions from 9 submitters: Uncertain significance (8); Likely benign (1). Last evaluated 2026-08-04.

Conditions:
Arrhythmogenic right ventricular dysplasia 2. Identifiers: MedGen C1832931.
Catecholaminergic polymorphic ventricular tachycardia 1. Also called: VENTRICULAR TACHYCARDIA, CATECHOLAMINERGIC POLYMORPHIC, 1, WITH OR WITHOUT ATRIAL DYSFUNCTION AND/OR DILATED CARDIOMYOPATHY; VENTRICULAR TACHYCARDIA, STRESS-INDUCED POLYMORPHIC 1; RYR2-Related Catecholaminergic Polymorphic Ventricular Tachycardia. Identifiers: Orphanet 3286, MedGen C1631597, MONDO:0011484, OMIM 604772.
Ventricular arrhythmias due to cardiac ryanodine receptor calcium release deficiency syndrome. Also called: Autosomal dominant cardiac arrhythmia (Kuhn). Identifiers: MedGen C5542154, MONDO:0020745, OMIM 115000.
Catecholaminergic polymorphic ventricular tachycardia (CVPT). Also called: Catecholamine-induced polymorphic ventricular tachycardia. Identifiers: Orphanet 3286, MedGen C5574922, MONDO:0017990.
Cardiomyopathy (CMYO). Also called: Cardiomyopathies. Identifiers: Orphanet 167848, MedGen C0878544, MONDO:0004994, HP:0001638. Inheritance: Various modes of inheritance.
Cardiovascular phenotype. Identifiers: MedGen CN230736.

Allele frequency attached by ClinVar (database versions not stated): TOPMed 0.00003; gnomAD 0.00004; gnomAD exomes 0.00004 and 0.00005; ExAC 0.00010.
gnomAD v4.1: 67 of 1,613,820 alleles (0.0042%); highest among the groups gnomAD compares: Non-Finnish European, 0.005%; no homozygotes.

Submissions (9):

Ambry Genetics
Classification: Uncertain significance for Cardiovascular phenotype. Last evaluated: 2026-08-04. Review status: criteria provided, single submitter. Criteria: Ambry Variant Classification Scheme 2023. Collection method: clinical testing. Allele origin: germline.

Women's Health and Genetics/Laboratory Corporation of America, LabCorp
Classification: Likely benign. Last evaluated: 2025-06-23. Review status: criteria provided, single submitter. Criteria: LabCorp Variant Classification Summary - May 2015. Collection method: clinical testing. Allele origin: germline.
Comment: Variant summary: RYR2 c.12541G>A (p.Gly4181Arg) results in a non-conservative amino acid change in the encoded protein sequence. Algorithms developed to predict the effect of missense changes on protein structure and function all suggest that this variant is likely to be disruptive. The variant allele was found at a frequency of 5.2e-05 in 248964 control chromosomes. The observed variant frequency is approximately 1.52 fold of the estimated maximal expected allele frequency for a pathogenic variant in RYR2 causing Catecholaminergic Polymorphic Ventricular Tachycardia phenotype (3.4e-05). To our knowledge, no occurrence of c.12541G>A in individuals affected with Catecholaminergic Polymorphic Ventricular Tachycardia and no experimental evidence demonstrating its impact on protein function have been reported. ClinVar contains an entry for this variant (Variation ID: 499175). Based on the evidence outlined above, the variant was classified as likely benign.

Labcorp Genetics (formerly Invitae), Labcorp
Classification: Uncertain significance for Catecholaminergic polymorphic ventricular tachycardia 1. Last evaluated: 2024-12-27. Review status: criteria provided, single submitter. Criteria: Invitae Variant Classification Sherloc (09022015). Collection method: clinical testing. Allele origin: germline.
Comment: This sequence change replaces glycine, which is neutral and non-polar, with arginine, which is basic and polar, at codon 4181 of the RYR2 protein (p.Gly4181Arg). This variant is present in population databases (rs775477470, gnomAD 0.009%). This variant has not been reported in the literature in individuals affected with RYR2-related conditions. ClinVar contains an entry for this variant (Variation ID: 499175). Invitae Evidence Modeling of protein sequence and biophysical properties (such as structural, functional, and spatial information, amino acid conservation, physicochemical variation, residue mobility, and thermodynamic stability) indicates that this missense variant is expected to disrupt RYR2 protein function with a positive predictive value of 95%. In summary, the available evidence is currently insufficient to determine the role of this variant in disease. Therefore, it has been classified as a Variant of Uncertain Significance.

All of Us Research Program, National Institutes of Health
Classification: Uncertain significance for Catecholaminergic polymorphic ventricular tachycardia. Last evaluated: 2024-07-20. Review status: criteria provided, single submitter. Criteria: ACMG Guidelines, 2015. Collection method: clinical testing. Allele origin: germline. Inheritance: Autosomal dominant inheritance. Observed: 17 variant alleles, 17 heterozygotes.
Comment: This missense variant replaces glycine with arginine at codon 4181 of the RYR2 protein. Computational prediction suggests that this variant may have deleterious impact on protein structure and function (internally defined REVEL score threshold >= 0.7, PMID: 27666373). To our knowledge, functional studies have not been reported for this variant. This variant has not been reported in individuals affected with cardiovascular disorders in the literature. This variant has been identified in 15/280364 chromosomes in the general population by the Genome Aggregation Database (gnomAD). The available evidence is insufficient to determine the role of this variant in disease conclusively. Therefore, this variant is classified as a Variant of Uncertain Significance.

This study involves interpretation of variants in research participants for the purpose of population health screening. Participant phenotype was not available at the time of variant classification. Additional details can be found in publication PMID: 35346344, PMCID: PMC8962531

Color Diagnostics, LLC DBA Color Health
Classification: Uncertain significance for Cardiomyopathy. Last evaluated: 2023-12-13. Review status: criteria provided, single submitter. Criteria: ACMG Guidelines, 2015. Collection method: clinical testing. Allele origin: germline.
Comment: This missense variant replaces glycine with arginine at codon 4181 of the RYR2 protein. Computational prediction suggests that this variant may have deleterious impact on protein structure and function (internally defined REVEL score threshold >= 0.7, PMID: 27666373). To our knowledge, functional studies have not been reported for this variant. This variant has not been reported in individuals affected with cardiovascular disorders in the literature. This variant has been identified in 15/280364 chromosomes in the general population by the Genome Aggregation Database (gnomAD). The available evidence is insufficient to determine the role of this variant in disease conclusively. Therefore, this variant is classified as a Variant of Uncertain Significance.

Intergen Genetics and Rare Diseases Diagnosis Center
Classification: Uncertain significance for Catecholaminergic polymorphic ventricular tachycardia 1. Last evaluated: 2023-08-15. Review status: criteria provided, single submitter. Criteria: ACMG Guidelines, 2015. Collection method: clinical testing. Allele origin: unknown. Inheritance: Autosomal dominant inheritance. Observed: 1 heterozygote.

Fulgent Genetics
Classification: Uncertain significance for Ventricular arrhythmias due to cardiac ryanodine receptor calcium release deficiency syndrome; Catecholaminergic polymorphic ventricular tachycardia 1. Last evaluated: 2021-07-09. Review status: criteria provided, single submitter. Criteria: ACMG Guidelines, 2015. Collection method: clinical testing. Allele origin: unknown.

CeGaT Center for Human Genetics Tuebingen
Classification: Uncertain significance. Last evaluated: 2019-03-01. Review status: criteria provided, single submitter. Criteria: CeGaT Center For Human Genetics Tuebingen Variant Classification Criteria Version 2. Collection method: clinical testing. Allele origin: germline. Affected: yes. Observed: 1 variant allele.

Eurofins Ntd Llc (ga)
Classification: Uncertain significance. Last evaluated: 2017-01-06. Review status: criteria provided, single submitter. Criteria: EGL Classification Definitions 2015. Collection method: clinical testing. Allele origin: germline. Observed: 1 variant allele, 1 heterozygote.

NM_001035.3(RYR2):c.12541G>A (p.Gly4181Arg)

Genes: RYR2 (ryanodine receptor 2; plus strand), LOC126806068 (BRD4-independent group 4 enhancer GRCh37_chr1:237947411-237948610; plus strand). Cytogenetic location: 1q43.
Variant type: single nucleotide variant.
Coding change: c.12541G>A on transcript NM_001035.3 (MANE Select); coding-DNA position 12541, G replaced by A.
Protein change: p.Gly4181Arg; replaces glycine 4181 with arginine.
Molecular consequence: missense variant.
Genome position (GRCh38, 1-based): chr1:237,784,253, G>A. VCF-style: chr1-237784253-G-A. GRCh37 (hg19) VCF-style: chr1-237947553-G-A.
Other names: c.12541G>A, p.Gly4181Arg (LRG_402t1); short protein forms G4181R.
Identifiers: ClinVar variation 499175 (VCV000499175.68), dbSNP rs775477470, ClinGen allele CA085196.